The following is an entry in ClinVar:

NM_001271893.4(TWIST2):c.83G>A (p.Arg28His)

Gene: TWIST2 (twist family bHLH transcription factor 2; plus strand). Cytogenetic location: 2q37.3.
Variant type: single nucleotide variant.
Coding change: c.83G>A on transcript NM_001271893.4 (MANE Select); coding-DNA position 83, G replaced by A.
Protein change: p.Arg28His; replaces arginine 28 with histidine.
Molecular consequence: missense variant.
Genome position (GRCh38, 1-based): chr2:238,848,298, G>A. VCF-style: chr2-238848298-G-A. GRCh37 (hg19) VCF-style: chr2-239756939-G-A.
Other names: c.83G>A, p.Arg28His (NM_057179.3); short protein forms R28H.
Identifiers: ClinVar variation 1050100 (VCV001050100.1), dbSNP rs930389695, ClinGen allele CA351462556.

ClinVar aggregate classification (germline): Uncertain significance (0 of 4 stars; one submission).

Allele frequency attached by ClinVar (database versions not stated): gnomAD exomes below 0.00001.
gnomAD v4.1: 5 of 1,533,128 alleles (0.00033%); highest among the groups gnomAD compares: Non-Finnish European, 0.00044%; no homozygotes.

Submission:

Department of Pathology and Laboratory Medicine, Sinai Health System
Classification: Uncertain significance. Review status: no assertion criteria provided. Collection method: clinical testing. Allele origin: unknown. Affected: yes. Study: The Canadian Open Genetics Repository (COGR).
Comment: The TWIST2 p.Arg28His variant was not identified in the literature nor was it identified in dbSNP, ClinVar, Cosmic or LOVD 3.0. The variant was also not identified in the following control databases: the 1000 Genomes Project, the NHLBI GO Exome Sequencing Project, the Exome Aggregation Consortium (August 8th 2016), or the Genome Aggregation Database (Feb 27, 2017). The variant occurs outside of the splicing consensus sequence and in silico or computational prediction software programs (SpliceSiteFinder, MaxEntScan, NNSPLICE, GeneSplicer) do not predict a difference in splicing. The p.Arg28 residue is conserved in mammals and computational analyses (PolyPhen-2, SIFT, AlignGVGD, BLOSUM, MutationTaster) provide inconsistent predictions regarding the impact to the protein; this information is not very predictive of pathogenicity. In summary, based on the above information the clinical significance of this variant cannot be determined with certainty at this time. This variant is classified as a variant of uncertain significance.